The following is an entry in ClinVar:

NM_001290321.3(DMXL1):c.2076C>T (p.Asp692=)

Gene: DMXL1 (Dmx like 1; plus strand). Cytogenetic location: 5q23.1.
Variant type: single nucleotide variant.
Coding change: c.2076C>T on transcript NM_001290321.3 (MANE Select); coding-DNA position 2076, C replaced by T.
Protein change: p.Asp692=; no amino-acid change (aspartic acid 692 retained).
Molecular consequence: synonymous variant. On other transcripts: non-coding transcript variant (3), intron variant (2).
Genome position (GRCh38, 1-based): chr5:119,134,000, C>T. VCF-style: chr5-119134000-C-T. GRCh37 (hg19) VCF-style: chr5-118469695-C-T.
Other names: c.2076C>T, p.Asp692= (NM_001349239.2, NM_001349240.2, NM_001387933.1 and 2 more transcripts); c.1610-268C>T (NM_001387938.1); c.1550-268C>T (NM_001387937.1).
Identifiers: ClinVar variation 3038601 (VCV003038601.2), dbSNP rs141146454, ClinGen allele CA3379593.

ClinVar aggregate classification (germline): Likely benign (0 of 4 stars; one submission).

Conditions:
DMXL1-related disorder. Also called: DMXL1-related condition.

Allele frequency attached by ClinVar (database versions not stated): ESP Exome Variant Server 0.00038; gnomAD exomes 0.00052; gnomAD 0.00060; 1000 Genomes Project 30x 0.00078; 1000 Genomes Project 0.00080; TOPMed 0.00080.
gnomAD v4.1: 870 of 1,614,178 alleles (0.054%); highest among the groups gnomAD compares: Middle Eastern, 0.16%; no homozygotes.

Submission:

PreventionGenetics, part of Exact Sciences
Classification: Likely benign for DMXL1-related condition. Last evaluated: 2019-05-23. Review status: no assertion criteria provided. Collection method: clinical testing. Allele origin: germline.
Comment: This variant is classified as likely benign based on ACMG/AMP sequence variant interpretation guidelines (Richards et al. 2015 PMID: 25741868, with internal and published modifications).